The following is an entry in ClinVar:

NM_015103.3(PLXND1):c.3030C>T (p.Ser1010=)

Gene: PLXND1 (plexin D1; minus strand). Cytogenetic location: 3q22.1.
Variant type: single nucleotide variant.
Coding change: c.3030C>T on transcript NM_015103.3 (MANE Select); coding-DNA position 3030, C replaced by T.
Protein change: p.Ser1010=; no amino-acid change (serine 1010 retained).
Molecular consequence: synonymous variant.
Genome position (GRCh38, 1-based): chr3:129,572,656, G>A on the plus strand (C>T on the coding strand, the complement: PLXND1 is on the minus strand). VCF-style: chr3-129572656-G-A. GRCh37 (hg19) VCF-style: chr3-129291499-G-A.
Identifiers: ClinVar variation 3055934 (VCV003055934.2), dbSNP rs2285368, ClinGen allele CA2608763.

ClinVar aggregate classification (germline): Benign (0 of 4 stars; one submission).

Conditions:
PLXND1-related disorder. Also called: PLXND1-related condition.

Allele frequency attached by ClinVar (database versions not stated): ESP Exome Variant Server 0.12548; TOPMed 0.13015; 1000 Genomes Project 0.14497; 1000 Genomes Project 30x 0.14959.
gnomAD v4.1: 83,235 of 1,601,120 alleles (5.2%); highest among the groups gnomAD compares: African/African-American, 32%; 5,629 homozygotes.

Submission:

PreventionGenetics, part of Exact Sciences
Classification: Benign for PLXND1-related condition. Last evaluated: 2019-10-21. Review status: no assertion criteria provided. Collection method: clinical testing. Allele origin: germline.
Comment: This variant is classified as benign based on ACMG/AMP sequence variant interpretation guidelines (Richards et al. 2015 PMID: 25741868, with internal and published modifications).